The following is an entry in ClinVar:

ClinVar aggregate classification (germline): Uncertain significance (1 of 4 stars; one submission).

Conditions:
Hereditary cancer-predisposing syndrome. Also called: Neoplastic Syndromes, Hereditary; Tumor predisposition; Hereditary Cancer Syndrome; Hereditary neoplastic syndrome. Identifiers: Orphanet 140162, MedGen C0027672, MeSH D009386, MONDO:0015356.

Submission:

Ambry Genetics
Classification: Uncertain significance for Hereditary cancer-predisposing syndrome. Last evaluated: 2022-05-10. Review status: criteria provided, single submitter. Criteria: Ambry Variant Classification Scheme 2023. Collection method: clinical testing. Allele origin: germline.
Comment: The p.L137F variant (also known as c.409C>T), located in coding exon 3 of the APC gene, results from a C to T substitution at nucleotide position 409. The leucine at codon 137 is replaced by phenylalanine, an amino acid with highly similar properties. This amino acid position is conserved. In addition, in silico predictors for this gene do not accurately predict pathogenicity. Since supporting evidence is limited at this time, the clinical significance of this alteration remains unclear.

NM_000038.6(APC):c.409C>T (p.Leu137Phe)

Gene: APC (APC regulator of Wnt signaling pathway; plus strand). Cytogenetic location: 5q22.2.
Variant type: single nucleotide variant.
Coding change: c.409C>T on transcript NM_000038.6 (MANE Select); coding-DNA position 409, C replaced by T.
Protein change: p.Leu137Phe; replaces leucine 137 with phenylalanine.
Molecular consequence: missense variant. On other transcripts: 5 prime UTR variant (1).
Genome position (GRCh38, 1-based): chr5:112,767,377, C>T. VCF-style: chr5-112767377-C-T. GRCh37 (hg19) VCF-style: chr5-112103074-C-T.
Other names: c.409C>T, p.Leu137Phe (NM_001127510.3, NM_001354895.2, NM_001354896.2 and 16 more transcripts); c.439C>T, p.Leu147Phe (NM_001127511.3, NM_001354897.2, NM_001354902.2 and 1 more transcripts); c.334C>T, p.Leu112Phe (NM_001354898.2, NM_001354904.2, NM_001407451.1); c.232C>T, p.Leu78Phe (NM_001354900.2, NM_001354901.2, NM_001354905.2 and 1 more transcripts); c.-627C>T (NM_001354906.2, NM_001407470.1, NM_001407471.1 and 1 more transcripts); short protein forms L137F, L78F, L112F, L147F.
Identifiers: ClinVar variation 1737809 (VCV001737809.2), dbSNP rs2149789925, ClinGen allele CA16022216.